The following is an entry in ClinVar:

ClinVar aggregate classification (germline): Pathogenic/Likely pathogenic. Review status: criteria provided, multiple submitters, no conflicts (2 of 4 stars). 3 submissions from 3 submitters: Pathogenic (1); Likely pathogenic (2). Last evaluated 2021-11-07.

Conditions:
Tuberous sclerosis 2 (TSC2). Identifiers: Orphanet 805, MedGen C1860707, MONDO:0013199, OMIM 613254.

Submissions (3):

Genome-Nilou Lab
Classification: Likely pathogenic for Tuberous sclerosis 2. Last evaluated: 2021-11-07. Review status: criteria provided, single submitter. Criteria: ACMG Guidelines, 2015. Collection method: clinical testing. Allele origin: germline. Affected: no.

Labcorp Genetics (formerly Invitae), Labcorp
Classification: Pathogenic for Tuberous sclerosis 2. Last evaluated: 2018-05-17. Review status: criteria provided, single submitter. Criteria: Invitae Variant Classification Sherloc (09022015). Collection method: clinical testing. Allele origin: germline.
Comment: This variant is not present in population databases (ExAC no frequency). This sequence change creates a premature translational stop signal (p.Phe924Leufs*24) in the TSC2 gene. It is expected to result in an absent or disrupted protein product. This variant has not been reported in the literature in individuals with TSC2-related disease. For these reasons, this variant has been classified as Pathogenic. Loss-of-function variants in TSC2 are known to be pathogenic (PMID: 10205261, 17304050).

Center for Human Genetics, Inc
Classification: Likely pathogenic for Tuberous sclerosis 2. Last evaluated: 2016-11-01. Review status: criteria provided, single submitter. Criteria: ACMG Guidelines, 2015. Collection method: clinical testing. Allele origin: germline. Affected: yes.

Literature cited by the submitters: PubMed 10205261 (cited by Labcorp Genetics (formerly Invitae), Labcorp); PubMed 17304050 (cited by Labcorp Genetics (formerly Invitae), Labcorp).

NM_000548.5(TSC2):c.2772del (p.Phe924fs)

Gene: TSC2 (TSC complex subunit 2; plus strand). Cytogenetic location: 16p13.3.
Variant type: Deletion.
Coding change: c.2772del on transcript NM_000548.5 (MANE Select); coding-DNA position 2772, one base deleted (T; older notation c.2772delT).
Protein change: p.Phe924fs; shifts the reading frame from phenylalanine 924.
Molecular consequence: frameshift variant.
Genome position (GRCh38, 1-based): chr16:2,076,520, T deleted; the last of 4 consecutive T bases (chr16:2,076,517-2,076,520); deleting any one gives the same sequence. VCF-style (leftmost placement, unchanged base first): chr16-2076516-CT-C. GRCh37 (hg19) VCF-style: chr16-2126517-CT-C.
Other names: c.2772del, p.Phe924fs (NM_001077183.3, NM_001114382.3, NM_001363528.2 and 3 more transcripts); c.2661del, p.Phe887fs (NM_001318827.2); c.2625del, p.Phe875fs (NM_001318829.2); c.2172del, p.Phe724fs (NM_001318831.2); c.2805del, p.Phe935fs (NM_001318832.2); short protein forms F724fs, F875fs, F935fs, F924fs, F887fs.
Identifiers: ClinVar variation 547826 (VCV000547826.10), dbSNP rs1555508938, ClinGen allele CA658824382.